The following is an entry in ClinVar:

NM_021098.3(CACNA1H):c.3170C>T (p.Ser1057Phe)

Gene: CACNA1H (calcium voltage-gated channel subunit alpha1 H; plus strand). Cytogenetic location: 16p13.3.
Variant type: single nucleotide variant.
Coding change: c.3170C>T on transcript NM_021098.3 (MANE Select); coding-DNA position 3170, C replaced by T.
Protein change: p.Ser1057Phe; replaces serine 1057 with phenylalanine.
Molecular consequence: missense variant.
Genome position (GRCh38, 1-based): chr16:1,208,028, C>T. VCF-style: chr16-1208028-C-T. GRCh37 (hg19) VCF-style: chr16-1258028-C-T.
Other names: c.3170C>T, p.Ser1057Phe (NM_001005407.2); short protein forms S1057F.
Identifiers: ClinVar variation 1001557 (VCV001001557.9), dbSNP rs1435560643, ClinGen allele CA394171655.

ClinVar aggregate classification (germline): Uncertain significance (1 of 4 stars; one submission).

Conditions:
Idiopathic generalized epilepsy. Also called: Generalised epilepsy; EIG. Identifiers: MedGen C0270850, MONDO:0005579, OMIM 600669.
Hyperaldosteronism, familial, type IV (HALD4). Also called: FH IV; ALDOSTERONISM, PRIMARY, AND HYPERTENSION. Identifiers: Orphanet 642671, MedGen C4310756, MONDO:0014875, OMIM 617027.

Allele frequency attached by ClinVar (database versions not stated): gnomAD exomes below 0.00001; TOPMed below 0.00001; gnomAD 0.00001.
gnomAD v4.1: 7 of 1,605,520 alleles (0.00044%); highest among the groups gnomAD compares: African/African-American, 0.0013%; no homozygotes.

Submission:

Labcorp Genetics (formerly Invitae), Labcorp
Classification: Uncertain significance for Idiopathic generalized epilepsy; Hyperaldosteronism, familial, type IV. Last evaluated: 2020-02-06. Review status: criteria provided, single submitter. Criteria: Invitae Variant Classification Sherloc (09022015). Collection method: clinical testing. Allele origin: germline.
Comment: This variant is not present in population databases (ExAC no frequency). In summary, the available evidence is currently insufficient to determine the role of this variant in disease. Therefore, it has been classified as a Variant of Uncertain Significance. Algorithms developed to predict the effect of missense changes on protein structure and function are either unavailable or do not agree on the potential impact of this missense change (SIFT: "Deleterious"; PolyPhen-2: "Possibly Damaging"; Align-GVGD: "Class C15"). This variant has not been reported in the literature in individuals with CACNA1H-related conditions. This sequence change replaces serine with phenylalanine at codon 1057 of the CACNA1H protein (p.Ser1057Phe). The serine residue is highly conserved and there is a large physicochemical difference between serine and phenylalanine.